The following is an entry in ClinVar:

ClinVar aggregate classification (germline): Uncertain significance. Review status: criteria provided, multiple submitters, no conflicts (2 of 4 stars). 2 submissions from 2 submitters: Uncertain significance (2). Last evaluated 2025-04-23.

Conditions:
Hypertrophic cardiomyopathy 26. Also called: Cardiomyopathy, familial hypertrophic, 26. Identifiers: Orphanet 75249, MedGen C4310749, MONDO:0014883, OMIM 617047.
Myofibrillar myopathy 5. Also called: Filaminopathy (type); FILAMINOPATHY, AUTOSOMAL DOMINANT. Identifiers: Orphanet 171445, MedGen C1836050, MONDO:0012289, OMIM 609524.
Distal myopathy with posterior leg and anterior hand involvement. Also called: WILLIAMS DISTAL MYOPATHY. Identifiers: Orphanet 63273, MedGen C3279722, MONDO:0013550, OMIM 614065.

Allele frequency attached by ClinVar (database versions not stated): TOPMed 0.00002.

Submissions (2):

Labcorp Genetics (formerly Invitae), Labcorp
Classification: Uncertain significance for Distal myopathy with posterior leg and anterior hand involvement; Myofibrillar myopathy 5; Hypertrophic cardiomyopathy 26. Last evaluated: 2025-04-23. Review status: criteria provided, single submitter. Criteria: Invitae Variant Classification Sherloc (09022015). Collection method: clinical testing. Allele origin: germline.
Comment: This sequence change replaces valine, which is neutral and non-polar, with glutamic acid, which is acidic and polar, at codon 749 of the FLNC protein (p.Val749Glu). This variant is not present in population databases (gnomAD no frequency). This variant has not been reported in the literature in individuals affected with FLNC-related conditions. ClinVar contains an entry for this variant (Variation ID: 658069). Invitae Evidence Modeling of protein sequence and biophysical properties (such as structural, functional, and spatial information, amino acid conservation, physicochemical variation, residue mobility, and thermodynamic stability) has been performed for this missense variant. However, the output from this modeling did not meet the statistical confidence thresholds required to predict the impact of this variant on FLNC protein function. In summary, the available evidence is currently insufficient to determine the role of this variant in disease. Therefore, it has been classified as a Variant of Uncertain Significance.

CeGaT Center for Human Genetics Tuebingen
Classification: Uncertain significance. Last evaluated: 2024-03-01. Review status: criteria provided, single submitter. Criteria: CeGaT Center For Human Genetics Tuebingen Variant Classification Criteria Version 2. Collection method: clinical testing. Allele origin: germline. Affected: yes. Observed: 1 variant allele.
Comment: FLNC: PM2

NM_001458.5(FLNC):c.2246T>A (p.Val749Glu)

Gene: FLNC (filamin C; plus strand). Cytogenetic location: 7q32.1.
Variant type: single nucleotide variant.
Coding change: c.2246T>A on transcript NM_001458.5 (MANE Select); coding-DNA position 2246, T replaced by A.
Protein change: p.Val749Glu; replaces valine 749 with glutamic acid.
Molecular consequence: missense variant.
Genome position (GRCh38, 1-based): chr7:128,842,355, T>A. VCF-style: chr7-128842355-T-A. GRCh37 (hg19) VCF-style: chr7-128482409-T-A.
Other names: c.2246T>A, p.Val749Glu (NM_001127487.2); short protein forms V749E.
Identifiers: ClinVar variation 658069 (VCV000658069.30), dbSNP rs932445396, ClinGen allele CA166217829.